The following is an entry in ClinVar:

ClinVar aggregate classification (germline): Uncertain significance (1 of 4 stars; one submission).

Submission:

GeneDx
Classification: Uncertain significance. Last evaluated: 2024-06-30. Review status: criteria provided, single submitter. Criteria: GeneDx Variant Classification Process June 2021. Collection method: clinical testing. Allele origin: germline. Affected: yes.
Comment: Not observed at significant frequency in large population cohorts (gnomAD); In silico analysis supports that this missense variant has a deleterious effect on protein structure/function; Has not been previously published as pathogenic or benign to our knowledge

NM_003200.5(TCF3):c.75G>T (p.Met25Ile)

Gene: TCF3 (transcription factor 3; minus strand). Cytogenetic location: 19p13.3.
Variant type: single nucleotide variant.
Coding change: c.75G>T on transcript NM_003200.5 (MANE Select); coding-DNA position 75, G replaced by T.
Protein change: p.Met25Ile; replaces methionine 25 with isoleucine.
Molecular consequence: missense variant.
Genome position (GRCh38, 1-based): chr19:1,646,425, C>A on the plus strand (G>T on the coding strand, the complement: TCF3 is on the minus strand). VCF-style: chr19-1646425-C-A. GRCh37 (hg19) VCF-style: chr19-1646424-C-A.
Other names: c.75G>T, p.Met25Ile (NM_001136139.4, NM_001351778.2, NM_001351779.2); short protein forms M25I.
Identifiers: ClinVar variation 3393759 (VCV003393759.1).